The following is an entry in ClinVar:

NM_003978.5(PSTPIP1):c.657A>C (p.Gln219His)

Gene: PSTPIP1 (proline-serine-threonine phosphatase interacting protein 1; plus strand). Cytogenetic location: 15q24.3.
Variant type: single nucleotide variant.
Coding change: c.657A>C on transcript NM_003978.5 (MANE Select); coding-DNA position 657, A replaced by C.
Protein change: p.Gln219His; replaces glutamine 219 with histidine.
Molecular consequence: missense variant. On other transcripts: non-coding transcript variant (1).
Genome position (GRCh38, 1-based): chr15:77,031,194, A>C. VCF-style: chr15-77031194-A-C. GRCh37 (hg19) VCF-style: chr15-77323535-A-C.
Other names: c.657A>C, p.Gln219His (NM_001321135.2); c.630A>C, p.Gln210His (NM_001321136.2); c.852A>C, p.Gln284His (NM_001321137.1); short protein forms Q219H, Q210H, Q284H.
Identifiers: ClinVar variation 245667 (VCV000245667.61), dbSNP rs139362350, ClinGen allele CA7675932.

ClinVar aggregate classification (germline): Benign/Likely benign. Review status: criteria provided, multiple submitters, no conflicts (2 of 4 stars). 9 submissions from 9 submitters: Benign (3); Likely benign (6). Last evaluated 2026-04-15.

Conditions:
Autoinflammatory syndrome. Identifiers: Orphanet 93665, MedGen C3890737, MONDO:0019751.
Pyogenic arthritis-pyoderma gangrenosum-acne syndrome (PAPA). Also called: FAMILIAL RECURRENT ARTHRITIS; PAPA SYNDROME. Identifiers: Orphanet 69126, MedGen C1858361, MONDO:0011462, OMIM 604416.

Allele frequency attached by ClinVar (database versions not stated): ESP Exome Variant Server 0.00144; gnomAD 0.00166; TOPMed 0.00168; 1000 Genomes Project 0.00300; 1000 Genomes Project 30x 0.00312.
gnomAD v4.1: 644 of 1,612,700 alleles (0.04%); highest among the groups gnomAD compares: African/African-American, 0.57%; 1 homozygote.

Submissions (9):

Women's Health and Genetics/Laboratory Corporation of America, LabCorp
Classification: Likely benign. Last evaluated: 2026-04-15. Review status: criteria provided, single submitter. Criteria: LabCorp Variant Classification Summary - May 2015. Collection method: clinical testing. Allele origin: germline.

Labcorp Genetics (formerly Invitae), Labcorp
Classification: Benign for Pyogenic arthritis-pyoderma gangrenosum-acne syndrome. Last evaluated: 2026-01-18. Review status: criteria provided, single submitter. Criteria: Invitae Variant Classification Sherloc (09022015). Collection method: clinical testing. Allele origin: germline.

Blueprint Genetics
Classification: Likely benign. Last evaluated: 2024-10-24. Review status: criteria provided, single submitter. Criteria: ACMG Guidelines, 2015. Collection method: clinical testing. Allele origin: germline.

CeGaT Center for Human Genetics Tuebingen
Classification: Likely benign. Last evaluated: 2024-10-01. Review status: criteria provided, single submitter. Criteria: CeGaT Center For Human Genetics Tuebingen Variant Classification Criteria Version 2. Collection method: clinical testing. Allele origin: germline. Affected: yes. Observed: 2 variant alleles.
Comment: PSTPIP1: BP4, BS1

ARUP Laboratories, Molecular Genetics and Genomics, ARUP Laboratories
Classification: Likely benign for Pyogenic arthritis-pyoderma gangrenosum-acne syndrome. Last evaluated: 2024-07-05. Review status: criteria provided, single submitter. Criteria: ARUP Molecular Germline Variant Investigation Process 2024. Collection method: clinical testing. Allele origin: germline.

Genome Diagnostics Laboratory, The Hospital for Sick Children
Classification: Likely benign for Autoinflammatory syndrome. Last evaluated: 2021-04-27. Review status: criteria provided, single submitter. Criteria: ACMG Guidelines, 2015. Collection method: clinical testing. Allele origin: germline. Affected: yes.

Mayo Clinic Laboratories, Mayo Clinic
Classification: Benign. Last evaluated: 2020-12-02. Review status: criteria provided, single submitter. Criteria: ACMG Guidelines, 2015. Collection method: clinical testing. Allele origin: germline. Observed: 3 variant alleles.

Illumina Laboratory Services, Illumina
Classification: Likely benign for Pyogenic arthritis-pyoderma gangrenosum-acne syndrome. Last evaluated: 2017-04-27. Review status: criteria provided, single submitter. Criteria: ICSL Variant Classification Criteria 13 December 2019. Collection method: clinical testing. Allele origin: germline.
Comment: This variant was observed as part of a predisposition screen in an ostensibly healthy population. A literature search was performed for the gene, cDNA change, and amino acid change (where applicable). No publications were found based on this search. Allele frequency data from public databases allowed determination this variant is unlikely to cause disease. Therefore, this variant is classified as likely benign.

GeneDx
Classification: Benign. Last evaluated: 2015-06-25. Review status: criteria provided, single submitter. Criteria: GeneDx Variant Classification (06012015). Collection method: clinical testing. Allele origin: germline. Affected: yes.
Comment: This variant is considered likely benign or benign based on one or more of the following criteria: it is a conservative change, it occurs at a poorly conserved position in the protein, it is predicted to be benign by multiple in silico algorithms, and/or has population frequency not consistent with disease.